The following is an entry in ClinVar:

NM_001292063.2(OTOG):c.401C>G (p.Pro134Arg)

Gene: OTOG (otogelin; plus strand). Cytogenetic location: 11p15.1.
Variant type: single nucleotide variant.
Coding change: c.401C>G on transcript NM_001292063.2 (MANE Select); coding-DNA position 401, C replaced by G.
Protein change: p.Pro134Arg; replaces proline 134 with arginine.
Molecular consequence: missense variant.
Genome position (GRCh38, 1-based): chr11:17,553,380, C>G. VCF-style: chr11-17553380-C-G. GRCh37 (hg19) VCF-style: chr11-17574927-C-G.
Other names: c.437C>G, p.Pro146Arg (NM_001277269.2); short protein forms P134R, P146R.
Identifiers: ClinVar variation 5040928 (VCV005040928.1).

ClinVar aggregate classification (germline): Uncertain significance (1 of 4 stars; one submission).

gnomAD v4.1: 24 of 1,463,474 alleles (0.0016%); highest among the groups gnomAD compares: Non-Finnish European, 0.0017%; no homozygotes.

Submission:

CeGaT Center for Human Genetics Tuebingen
Classification: Uncertain significance. Last evaluated: 2026-09-01. Review status: criteria provided, single submitter. Criteria: CeGaT Center For Human Genetics Tuebingen Variant Classification Criteria Version 2. Collection method: clinical testing. Allele origin: germline. Affected: yes. Observed: 1 variant allele.
Comment: OTOG: PM2